The following is an entry in ClinVar:

NM_001243133.2(NLRP3):c.968C>T (p.Ala323Val)

Gene: NLRP3 (NLR family pyrin domain containing 3; plus strand). Cytogenetic location: 1q44.
Variant type: single nucleotide variant.
Coding change: c.968C>T on transcript NM_001243133.2 (MANE Select); coding-DNA position 968, C replaced by T.
Protein change: p.Ala323Val; replaces alanine 323 with valine.
Molecular consequence: missense variant.
Genome position (GRCh38, 1-based): chr1:247,424,417, C>T. VCF-style: chr1-247424417-C-T. GRCh37 (hg19) VCF-style: chr1-247587719-C-T.
Other names: c.968C>T, p.Ala323Val (NM_001079821.3, NM_001127461.3, NM_001127462.3 and 1 more transcripts); c.974C>T, p.Ala325Val (NM_004895.5); c.974C>T (NM_004895.4); short protein forms A323V, A325V.
Identifiers: ClinVar variation 1441675 (VCV001441675.9), dbSNP rs1662708283, ClinGen allele CA345555823.

ClinVar aggregate classification (germline): Uncertain significance. Review status: criteria provided, multiple submitters, no conflicts (2 of 4 stars). 2 submissions from 2 submitters: Uncertain significance (2). Last evaluated 2024-05-03.

Conditions:
Cryopyrin associated periodic syndrome (CAPS). Identifiers: Orphanet 208650, MedGen C2316212, MONDO:0016168.
Chronic infantile neurological, cutaneous and articular syndrome (CINCA). Also called: CINCA syndrome; CRYOPYRIN-ASSOCIATED PERIODIC SYNDROME 3; CHRONIC NEUROLOGIC CUTANEOUS AND ARTICULAR SYNDROME; Prieur Griscelli syndrome. Identifiers: Orphanet 1451, MedGen C0409818, MONDO:0011776, OMIM 607115.
Keratitis fugax hereditaria. Also called: KERATOENDOTHELIITIS FUGAX HEREDITARIA. Identifiers: Orphanet 647815, MedGen C1835697, MONDO:0007849, OMIM 148200.
Familial amyloid nephropathy with urticaria AND deafness (MWS). Also called: UDA SYNDROME; URTICARIA-DEAFNESS-AMYLOIDOSIS SYNDROME; CRYOPYRIN-ASSOCIATED PERIODIC SYNDROME 2; MUCKLE-WELLS SYNDROME; Urticaria, deafness and amyloidosis. Identifiers: Orphanet 575, MedGen C0268390, MONDO:0008633, OMIM 191900.
Familial cold autoinflammatory syndrome 1 (FCAS1). Also called: Familial cold inflammatory syndrome 1; CRYOPYRIN-ASSOCIATED PERIODIC SYNDROME 1. Identifiers: Orphanet 47045, MedGen C4551895, MONDO:0007349, OMIM 120100.
Hearing loss, autosomal dominant 34, with or without inflammation. Also called: DEAFNESS, AUTOSOMAL DOMINANT 34, WITH OR WITHOUT INFLAMMATION. Identifiers: MedGen C4521680, MONDO:0033261, OMIM 617772.

Allele frequency attached by ClinVar (database versions not stated): gnomAD exomes below 0.00001.

Submissions (2):

Fulgent Genetics
Classification: Uncertain significance for Familial cold autoinflammatory syndrome 1; Keratitis fugax hereditaria; Familial amyloid nephropathy with urticaria AND deafness; Chronic infantile neurological, cutaneous and articular syndrome; Hearing loss, autosomal dominant 34, with or without inflammation. Last evaluated: 2024-05-03. Review status: criteria provided, single submitter. Criteria: ACMG Guidelines, 2015. Collection method: clinical testing. Allele origin: germline.

Labcorp Genetics (formerly Invitae), Labcorp
Classification: Uncertain significance for Cryopyrin associated periodic syndrome. Last evaluated: 2021-02-14. Review status: criteria provided, single submitter. Criteria: Invitae Variant Classification Sherloc (09022015). Collection method: clinical testing. Allele origin: germline.
Comment: In summary, the available evidence is currently insufficient to determine the role of this variant in disease. Therefore, it has been classified as a Variant of Uncertain Significance. Algorithms developed to predict the effect of missense changes on protein structure and function output the following: SIFT: "Tolerated"; PolyPhen-2: "Benign"; Align-GVGD: "Class C0". The valine amino acid residue is found in multiple mammalian species, suggesting that this missense change does not adversely affect protein function. These predictions have not been confirmed by published functional studies and their clinical significance is uncertain. This variant has not been reported in the literature in individuals with NLRP3-related conditions. This variant is not present in population databases (ExAC no frequency). This sequence change replaces alanine with valine at codon 325 of the NLRP3 protein (p.Ala325Val). The alanine residue is moderately conserved and there is a small physicochemical difference between alanine and valine.